The following is an entry in ClinVar:

ClinVar aggregate classification (germline): Uncertain significance (1 of 4 stars; one submission).

Submission:

Labcorp Genetics (formerly Invitae), Labcorp
Classification: Uncertain significance. Last evaluated: 2021-12-02. Review status: criteria provided, single submitter. Criteria: Invitae Variant Classification Sherloc (09022015). Collection method: clinical testing. Allele origin: germline.
Comment: This sequence change replaces serine, which is neutral and polar, with arginine, which is basic and polar, at codon 273 of the MMP9 protein (p.Ser273Arg). This variant is not present in population databases (gnomAD no frequency). This variant has not been reported in the literature in individuals affected with MMP9-related conditions. Algorithms developed to predict the effect of missense changes on protein structure and function are either unavailable or do not agree on the potential impact of this missense change (SIFT: "Tolerated"; PolyPhen-2: "Possibly Damaging"; Align-GVGD: "Class C0"). In summary, the available evidence is currently insufficient to determine the role of this variant in disease. Therefore, it has been classified as a Variant of Uncertain Significance.

NM_004994.3(MMP9):c.819C>G (p.Ser273Arg)

Gene: MMP9 (matrix metallopeptidase 9; plus strand). Cytogenetic location: 20q13.12.
Variant type: single nucleotide variant.
Coding change: c.819C>G on transcript NM_004994.3 (MANE Select); coding-DNA position 819, C replaced by G.
Protein change: p.Ser273Arg; replaces serine 273 with arginine.
Molecular consequence: missense variant.
Genome position (GRCh38, 1-based): chr20:46,011,312, C>G. VCF-style: chr20-46011312-C-G. GRCh37 (hg19) VCF-style: chr20-44639951-C-G.
Other names: short protein forms S273R.
Identifiers: ClinVar variation 1443092 (VCV001443092.7), dbSNP rs2145452647, ClinGen allele CA409214149.